The following is an entry in ClinVar:

NM_002087.4(GRN):c.1341C>T (p.His447=)

Gene: GRN (granulin precursor; plus strand). Cytogenetic location: 17q21.31.
Variant type: single nucleotide variant.
Coding change: c.1341C>T on transcript NM_002087.4 (MANE Select); coding-DNA position 1341, C replaced by T.
Protein change: p.His447=; no amino-acid change (histidine 447 retained).
Molecular consequence: synonymous variant.
Genome position (GRCh38, 1-based): chr17:44,352,176, C>T. VCF-style: chr17-44352176-C-T. GRCh37 (hg19) VCF-style: chr17-42429544-C-T.
Identifiers: ClinVar variation 98181 (VCV000098181.20), dbSNP rs63750775, ClinGen allele CA225339.

ClinVar aggregate classification (germline): Conflicting classifications of pathogenicity. Review status: criteria provided, conflicting classifications (1 of 4 stars). 6 submissions from 6 submitters: Uncertain significance (1); Likely benign (3). 2 of the submissions do not count toward it. Last evaluated 2026-01-19.

Conditions:
GRN-related disorder. Also called: GRN-related disorders; GRN-related condition.
GRN-related frontotemporal lobar degeneration with Tdp43 inclusions (FTD2). Also called: DEMENTIA, HEREDITARY DYSPHASIC DISINHIBITION; FRONTOTEMPORAL LOBAR DEGENERATION WITH UBIQUITIN-POSITIVE INCLUSIONS; FTLD-TDP, GRN-RELATED; FRONTOTEMPORAL DEMENTIA WITH TDP43 INCLUSIONS, GRN-RELATED; GRN Frontotemporal Dementia. Identifiers: Orphanet 100070, Orphanet 282, MedGen C1843792, MONDO:0011842, OMIM 607485. Disease mechanism: loss of function.
Neuronal ceroid lipofuscinosis 11. Also called: GRN-Related Neuronal Ceroid-Lipofuscinosis. Identifiers: Orphanet 314629, Orphanet 79262, MedGen C3539123, MONDO:0013866, OMIM 614706.
Inborn genetic diseases. Identifiers: MedGen C0950123, MeSH D030342.

Allele frequency attached by ClinVar (database versions not stated): gnomAD 0.00007 and 0.00008; ESP Exome Variant Server 0.00008; TOPMed 0.00008; gnomAD exomes 0.00012 and 0.00016; ExAC 0.00017.

Submissions (6):

Labcorp Genetics (formerly Invitae), Labcorp
Classification: Likely benign for Neuronal ceroid lipofuscinosis 11; GRN-related frontotemporal lobar degeneration with Tdp43 inclusions. Last evaluated: 2026-01-19. Review status: criteria provided, single submitter. Criteria: Invitae Variant Classification Sherloc (09022015). Collection method: clinical testing. Allele origin: germline.

Blueprint Genetics
Classification: Likely benign. Last evaluated: 2024-07-18. Review status: criteria provided, single submitter. Criteria: ACMG Guidelines, 2015. Collection method: clinical testing. Allele origin: germline.

Ambry Genetics
Classification: Likely benign for Inborn genetic diseases. Last evaluated: 2019-12-04. Review status: criteria provided, single submitter. Criteria: Ambry Variant Classification Scheme 2023. Collection method: clinical testing. Allele origin: germline.

Illumina Laboratory Services, Illumina
Classification: Uncertain significance for GRN-related frontotemporal lobar degeneration with Tdp43 inclusions. Last evaluated: 2017-04-27. Review status: criteria provided, single submitter. Criteria: ICSL Variant Classification Criteria 13 December 2019. Collection method: clinical testing. Allele origin: germline.
Comment: This variant was observed as part of a predisposition screen in an ostensibly healthy population. A literature search was performed for the gene, cDNA change, and amino acid change (where applicable). Publications were found based on this search. However, the evidence from the literature, in combination with allele frequency data from public databases where available, was not sufficient to rule this variant in or out of causing disease. Therefore, this variant is classified as a variant of unknown significance.

PreventionGenetics, part of Exact Sciences
Classification: Likely benign for GRN-related condition. Last evaluated: 2023-03-28. Review status: no assertion criteria provided. Collection method: clinical testing. Allele origin: germline. Not counted in ClinVar's aggregate classification.
Comment: This variant is classified as likely benign based on ACMG/AMP sequence variant interpretation guidelines (Richards et al. 2015 PMID: 25741868, with internal and published modifications).

VIB  Department of Molecular Genetics, University of Antwerp
No classification provided. Review status: no classification provided. Collection method: not provided. Allele origin: unknown. Not counted in ClinVar's aggregate classification.

Literature cited by the submitters: PubMed 17228326 (cited by Illumina Laboratory Services, Illumina); PubMed 19158106 (cited by Illumina Laboratory Services, Illumina).